The following is an entry in ClinVar:

ClinVar aggregate classification (germline): Uncertain significance. Review status: criteria provided, multiple submitters, no conflicts (2 of 4 stars). 2 submissions from 2 submitters: Uncertain significance (2). Last evaluated 2024-03-11.

Conditions:
Inborn genetic diseases. Identifiers: MedGen C0950123, MeSH D030342.
Pigmentary pallidal degeneration (NBIA1). Also called: PKAN NEUROAXONAL DYSTROPHY, JUVENILE-ONSET; HARP SYNDROME; Pantothenate Kinase-Associated Neurodegeneration; Neuroaxonal dystrophy, late infantile; Hallervorden-Spatz disease; Neurodegeneration with brain iron accumulation 1. Identifiers: Orphanet 157850, MedGen C0018523, MONDO:0009319, OMIM 234200.

Allele frequency attached by ClinVar (database versions not stated): TOPMed 0.00001.
gnomAD v4.1: 33 of 1,581,206 alleles (0.0021%); highest among the groups gnomAD compares: Non-Finnish European, 0.0026%; 1 homozygote.

Submissions (2):

Labcorp Genetics (formerly Invitae), Labcorp
Classification: Uncertain significance for Pigmentary pallidal degeneration. Last evaluated: 2024-03-11. Review status: criteria provided, single submitter. Criteria: Invitae Variant Classification Sherloc (09022015). Collection method: clinical testing. Allele origin: germline.
Comment: This sequence change replaces threonine, which is neutral and polar, with lysine, which is basic and polar, at codon 182 of the PANK2 protein (p.Thr182Lys). The frequency data for this variant in the population databases is considered unreliable, as metrics indicate poor data quality at this position in the gnomAD database. This variant has not been reported in the literature in individuals affected with PANK2-related conditions. ClinVar contains an entry for this variant (Variation ID: 654761). Advanced modeling of protein sequence and biophysical properties (such as structural, functional, and spatial information, amino acid conservation, physicochemical variation, residue mobility, and thermodynamic stability) performed at Invitae indicates that this missense variant is not expected to disrupt PANK2 protein function with a negative predictive value of 95%. In summary, the available evidence is currently insufficient to determine the role of this variant in disease. Therefore, it has been classified as a Variant of Uncertain Significance.

Ambry Genetics
Classification: Uncertain significance for Inborn genetic diseases. Last evaluated: 2023-12-09. Review status: criteria provided, single submitter. Criteria: Ambry Variant Classification Scheme 2023. Collection method: clinical testing. Allele origin: germline.

NM_001386393.1(PANK2):c.215C>A (p.Thr72Lys)

Genes: PANK2 (pantothenate kinase 2; plus strand), LOC130065345 (ATAC-STARR-seq lymphoblastoid silent region 12635; plus strand). Cytogenetic location: 20p13.
Variant type: single nucleotide variant.
Coding change: c.215C>A on transcript NM_001386393.1 (MANE Select); coding-DNA position 215, C replaced by A.
Protein change: p.Thr72Lys; replaces threonine 72 with lysine.
Molecular consequence: missense variant. On other transcripts: 5 prime UTR variant (1), non-coding transcript variant (1), intron variant (1).
Genome position (GRCh38, 1-based): chr20:3,889,645, C>A. VCF-style: chr20-3889645-C-A. GRCh37 (hg19) VCF-style: chr20-3870292-C-A.
Other names: c.-497C>A (NM_001324191.2); c.545C>A, p.Thr182Lys (NM_001324192.1, NM_153638.4); c.-246+741C>A (NM_024960.6); short protein forms T182K, T72K.
Identifiers: ClinVar variation 654761 (VCV000654761.11), dbSNP rs755932521, ClinGen allele CA9750602.
Genomic context (GRCh38, chr20:3,889,645, plus strand): 5'-CACTGCGGCGCCGGGCGAGCAGCGCGTCGGTGCCCGCGGTCGGGGCCTCGGCTGAGGGCA[C>A]GAGGCGGGATCGACTGGGCTCTTACAGCGGCCCCACCTCGGTCTCCCGCCAGCGCGTCGA-3'
Protein context (NP_001373322.1, residues 62-82): VPAVGASAEG[Thr72Lys]RRDRLGSYSG